The following is an entry in ClinVar:

ClinVar aggregate classification (germline): Benign/Likely benign. Review status: criteria provided, multiple submitters, no conflicts (2 of 4 stars). 5 submissions from 5 submitters: Benign (1); Likely benign (2). 2 of the submissions do not count toward it. Last evaluated 2026-01-19.

Conditions:
CEP290-related disorder. Also called: CEP290-related condition; CEP290-related disorders. Identifiers: MedGen CN239314.
Nephronophthisis. Also called: Juvenile Nephronophthisis. Identifiers: Orphanet 655, MedGen C0687120, MONDO:0019005, HP:0000090.
Meckel-Gruber syndrome. Also called: DYSENCEPHALIA SPLANCHNOCYSTICA; GRUBER SYNDROME; Dysencephalia splachnocystica. Identifiers: Orphanet 564, MedGen C0265215, MONDO:0018921.
Joubert syndrome. Also called: JOUBERT-BOLTSHAUSER SYNDROME; Familial aplasia of the vermis. Identifiers: Orphanet 475, MedGen C5979921, MONDO:0018772.
Retinal dystrophy. Also called: Inherited retinal dystrophy. Identifiers: Orphanet 71862, MedGen C0854723, MeSH D058499, MONDO:0019118, HP:0000556.
Leber congenital amaurosis (LCA). Also called: Leber's amaurosis. Identifiers: Orphanet 65, MedGen C0339527, MeSH D057130, MONDO:0018998.

Allele frequency attached by ClinVar (database versions not stated): gnomAD exomes 0.00005 and 0.00022; gnomAD 0.00010 and 0.00011; TOPMed 0.00014; 1000 Genomes Project 30x 0.00016; 1000 Genomes Project 0.00020; ExAC 0.00021.
gnomAD v4.1: 85 of 1,613,652 alleles (0.0053%); highest among the groups gnomAD compares: East Asian, 0.16%; no homozygotes.

Submissions (5):

Labcorp Genetics (formerly Invitae), Labcorp
Classification: Benign for Joubert syndrome; Meckel-Gruber syndrome; Nephronophthisis. Last evaluated: 2026-01-19. Review status: criteria provided, single submitter. Criteria: Invitae Variant Classification Sherloc (09022015). Collection method: clinical testing. Allele origin: germline.

Blueprint Genetics
Classification: Likely benign. Last evaluated: 2024-07-10. Review status: criteria provided, single submitter. Criteria: ACMG Guidelines, 2015. Collection method: clinical testing. Allele origin: germline.

Dept Of Ophthalmology, Nagoya University
Classification: Likely benign for Retinal dystrophy. Last evaluated: 2023-10-01. Review status: criteria provided, single submitter. Criteria: Submitter's publication. Collection method: research. Allele origin: germline. Affected: yes.

PreventionGenetics, part of Exact Sciences
Classification: Likely benign for CEP290-related condition. Last evaluated: 2024-09-01. Review status: no assertion criteria provided. Collection method: clinical testing. Allele origin: germline. Not counted in ClinVar's aggregate classification.
Comment: This variant is classified as likely benign based on ACMG/AMP sequence variant interpretation guidelines (Richards et al. 2015 PMID: 25741868, with internal and published modifications).

Natera, Inc.
Classification: Uncertain significance for Leber congenital amaurosis. Last evaluated: 2020-01-24. Review status: no assertion criteria provided. Collection method: clinical testing. Allele origin: germline. Not counted in ClinVar's aggregate classification.

NM_025114.4(CEP290):c.6806T>C (p.Ile2269Thr)

Gene: CEP290 (centrosomal protein 290; minus strand). Cytogenetic location: 12q21.32.
Variant type: single nucleotide variant.
Coding change: c.6806T>C on transcript NM_025114.4 (MANE Select); coding-DNA position 6806, T replaced by C.
Protein change: p.Ile2269Thr; replaces isoleucine 2269 with threonine.
Molecular consequence: missense variant.
Genome position (GRCh38, 1-based): chr12:88,058,860, A>G on the plus strand (T>C on the coding strand, the complement: CEP290 is on the minus strand). VCF-style: chr12-88058860-A-G. GRCh37 (hg19) VCF-style: chr12-88452637-A-G.
Other names: short protein forms I2269T.
Identifiers: ClinVar variation 699828 (VCV000699828.15), dbSNP rs200090371, ClinGen allele CA6711429.